The following is an entry in ClinVar:

ClinVar aggregate classification (germline): Pathogenic (1 of 4 stars; one submission).

Conditions:
Osteogenesis imperfecta type I (OI1). Also called: Lobstein disease; Lobstein's Disease; Osteogenesis imperfecta type 1; Classic Non-deforming Osteogenesis Imperfecta with Blue Sclerae; OI, TYPE I; OSTEOGENESIS IMPERFECTA TARDA. Identifiers: Orphanet 216796, Orphanet 666, MedGen C0023931, MONDO:0008146, OMIM 166200. Disease mechanism: loss of function.

Submission:

Labcorp Genetics (formerly Invitae), Labcorp
Classification: Pathogenic for Osteogenesis imperfecta type I. Last evaluated: 2022-02-06. Review status: criteria provided, single submitter. Criteria: Invitae Variant Classification Sherloc (09022015). Collection method: clinical testing. Allele origin: germline.
Comment: This variant is not present in population databases (gnomAD no frequency). For these reasons, this variant has been classified as Pathogenic. This variant disrupts the p.Gly482 amino acid residue in COL1A1. Other variant(s) that disrupt this residue have been observed in individuals with COL1A1-related conditions (PMID: 17078022), which suggests that this may be a clinically significant amino acid residue. This variant disrupts the triple helix domain of COL1A1. Glycine residues within the Gly-Xaa-Yaa repeats of the triple helix domain are required for the structure and stability of fibrillar collagens (PMID: 7695699, 8218237, 19344236). In COL1A1, variants affecting these glycine residues are significantly enriched in individuals with disease (PMID: 9016532, 17078022) compared to the general population (ExAC). Advanced modeling of protein sequence and biophysical properties (such as structural, functional, and spatial information, amino acid conservation, physicochemical variation, residue mobility, and thermodynamic stability) performed at Invitae indicates that this missense variant is expected to disrupt COL1A1 protein function. This variant is also known as Gly304Arg. This missense change has been observed in individual(s) with osteogenesis imperfecta (PMID: 17078022). This sequence change replaces glycine, which is neutral and non-polar, with arginine, which is basic and polar, at codon 482 of the COL1A1 protein (p.Gly482Arg).

Literature cited by the submitters: PubMed 17078022; PubMed 7695699; PubMed 8218237; PubMed 19344236; PubMed 9016532.

NM_000088.4(COL1A1):c.1444G>C (p.Gly482Arg)

Gene: COL1A1 (collagen type I alpha 1 chain; minus strand). Cytogenetic location: 17q21.33.
Variant type: single nucleotide variant.
Coding change: c.1444G>C on transcript NM_000088.4 (MANE Select); coding-DNA position 1444, G replaced by C.
Protein change: p.Gly482Arg; replaces glycine 482 with arginine.
Molecular consequence: missense variant.
Genome position (GRCh38, 1-based): chr17:50,194,738, C>G on the plus strand (G>C on the coding strand, the complement: COL1A1 is on the minus strand). VCF-style: chr17-50194738-C-G. GRCh37 (hg19) VCF-style: chr17-48272099-C-G.
Other names: short protein forms G482R.
Identifiers: ClinVar variation 2094263 (VCV002094263.4), dbSNP rs72648344, ClinGen allele CA400217650.